The following is an entry in ClinVar:

ClinVar aggregate classification (germline): Pathogenic/Likely pathogenic. Review status: no assertion criteria provided (0 of 4 stars). 2 submissions from 2 submitters: Pathogenic (1); Likely pathogenic (1). Last evaluated 2023-11-15.

Conditions:
PKD1-related disorder. Also called: PKD1-related condition.

Submissions (2):

PreventionGenetics, part of Exact Sciences
Classification: Pathogenic for PKD1-related condition. Last evaluated: 2023-11-15. Review status: no assertion criteria provided. Collection method: clinical testing. Allele origin: germline.
Comment: The PKD1 c.6508dupG variant is predicted to result in a frameshift and premature protein termination (p.Glu2170Glyfs*5). This variant has been reported in an individual with cystic renal disease (Groopman et al. 2019. PubMed ID: 30586318, Table S7). This variant has not been reported in a large population database, indicating this variant is rare. Frameshift variants in PKD1 are expected to be pathogenic. This variant is interpreted as pathogenic.

Gharavi Laboratory, Columbia University
Classification: Likely pathogenic. Last evaluated: 2018-09-16. Review status: no assertion criteria provided. Criteria: ACMG Guidelines, 2015. Collection method: research. Allele origin: germline. Affected: yes.

NM_001009944.3(PKD1):c.6508dup (p.Glu2170fs)

Gene: PKD1 (polycystin 1, transient receptor potential channel interacting; minus strand). Cytogenetic location: 16p13.3.
Variant type: Duplication.
Coding change: c.6508dup on transcript NM_001009944.3 (MANE Select); coding-DNA position 6508, one base duplicated (G; older notation c.6508dupG).
Protein change: p.Glu2170fs; shifts the reading frame from glutamic acid 2170.
Molecular consequence: frameshift variant.
Genome position (GRCh38, 1-based): chr16:2,108,659, C duplicated on the plus strand (G on the coding strand, the reverse complement: PKD1 is on the minus strand); the first of 2 consecutive C bases (chr16:2,108,659-2,108,660); duplicating either gives the same sequence. VCF-style (leftmost placement, unchanged base first): chr16-2108658-T-TC. GRCh37 (hg19) VCF-style: chr16-2158659-T-TC.
Other names: c.6508dup, p.Glu2170fs (NM_000296.4); c.6508dupG (NM_001009944.2); short protein forms E2170fs.
Identifiers: ClinVar variation 562289 (VCV000562289.3), dbSNP rs1567192623, ClinGen allele CA658824489.